The following is an entry in ClinVar:

NM_001128225.3(SLC39A13):c.132G>A (p.Thr44=)

Gene: SLC39A13 (solute carrier family 39 member 13; plus strand). Cytogenetic location: 11p11.2.
Variant type: single nucleotide variant.
Coding change: c.132G>A on transcript NM_001128225.3 (MANE Select); coding-DNA position 132, G replaced by A.
Protein change: p.Thr44=; no amino-acid change (threonine 44 retained).
Molecular consequence: synonymous variant. On other transcripts: non-coding transcript variant (1).
Genome position (GRCh38, 1-based): chr11:47,410,226, G>A. VCF-style: chr11-47410226-G-A. GRCh37 (hg19) VCF-style: chr11-47431777-G-A.
Other names: p.Thr44=; c.132G>A, p.Thr44= (NM_001330245.2, NM_152264.5); c.132G>A (NM_152264.4).
Identifiers: ClinVar variation 288218 (VCV000288218.12), dbSNP rs201425631, ClinGen allele CA5975674.

ClinVar aggregate classification (germline): Conflicting classifications of pathogenicity. Review status: criteria provided, conflicting classifications (1 of 4 stars). 5 submissions from 5 submitters: Uncertain significance (2); Likely benign (3). Last evaluated 2026-04-15.

Conditions:
Ehlers-Danlos syndrome, spondylodysplastic type, 3. Also called: Ehlers-Danlos syndrome, spondylocheirodysplastic type. Identifiers: Orphanet 157965, MedGen C2676510, MONDO:0012873, OMIM 612350.

Allele frequency attached by ClinVar (database versions not stated): ExAC 0.00002; gnomAD exomes 0.00002 and 0.00003; TOPMed 0.00002; gnomAD 0.00004; 1000 Genomes Project 30x 0.00016.
gnomAD v4.1: 50 of 1,614,058 alleles (0.0031%); highest among the groups gnomAD compares: Non-Finnish European, 0.0041%; no homozygotes.

Submissions (5):

Women's Health and Genetics/Laboratory Corporation of America, LabCorp
Classification: Likely benign. Last evaluated: 2026-04-15. Review status: criteria provided, single submitter. Criteria: LabCorp Variant Classification Summary - May 2015. Collection method: clinical testing. Allele origin: germline.

Mayo Clinic Laboratories, Mayo Clinic
Classification: Likely benign. Last evaluated: 2025-06-16. Review status: criteria provided, single submitter. Criteria: ACMG Guidelines, 2015. Collection method: clinical testing. Allele origin: germline. Observed: 1 variant allele.
Comment: BP4, BP7, PM2_supporting

Labcorp Genetics (formerly Invitae), Labcorp
Classification: Likely benign for Ehlers-Danlos syndrome, spondylodysplastic type, 3. Last evaluated: 2024-12-18. Review status: criteria provided, single submitter. Criteria: Invitae Variant Classification Sherloc (09022015). Collection method: clinical testing. Allele origin: germline.

Eurofins Ntd Llc (ga)
Classification: Uncertain significance. Last evaluated: 2016-06-16. Review status: criteria provided, single submitter. Criteria: EGL Classification Definitions 2015. Collection method: clinical testing. Allele origin: germline. Observed: 1 variant allele, 1 heterozygote.

Breakthrough Genomics
Classification: Uncertain significance. Review status: criteria provided, single submitter. Criteria: ACMG Guidelines, 2015. Collection method: not provided. Allele origin: germline. Inheritance: Autosomal recessive inheritance. Affected: yes.